The following is an entry in ClinVar:

ClinVar aggregate classification (germline): Uncertain significance (1 of 4 stars; one submission).

Submission:

Labcorp Genetics (formerly Invitae), Labcorp
Classification: Uncertain significance. Last evaluated: 2023-07-10. Review status: criteria provided, single submitter. Criteria: Invitae Variant Classification Sherloc (09022015). Collection method: clinical testing. Allele origin: germline.
Comment: In summary, the available evidence is currently insufficient to determine the role of this variant in disease. Therefore, it has been classified as a Variant of Uncertain Significance. Advanced modeling of protein sequence and biophysical properties (such as structural, functional, and spatial information, amino acid conservation, physicochemical variation, residue mobility, and thermodynamic stability) performed at Invitae indicates that this missense variant is not expected to disrupt NCSTN protein function. This variant has not been reported in the literature in individuals affected with NCSTN-related conditions. This variant is not present in population databases (gnomAD no frequency). This sequence change replaces alanine, which is neutral and non-polar, with valine, which is neutral and non-polar, at codon 406 of the NCSTN protein (p.Ala406Val).

NM_015331.3(NCSTN):c.1217C>T (p.Ala406Val)

Gene: NCSTN (nicastrin; plus strand). Cytogenetic location: 1q23.2.
Variant type: single nucleotide variant.
Coding change: c.1217C>T on transcript NM_015331.3 (MANE Select); coding-DNA position 1217, C replaced by T.
Protein change: p.Ala406Val; replaces alanine 406 with valine.
Molecular consequence: missense variant.
Genome position (GRCh38, 1-based): chr1:160,354,155, C>T. VCF-style: chr1-160354155-C-T. GRCh37 (hg19) VCF-style: chr1-160323945-C-T.
Other names: c.1157C>T, p.Ala386Val (NM_001290184.2); c.803C>T, p.Ala268Val (NM_001290186.2); c.1217C>T, p.Ala406Val (NM_001349729.2); short protein forms A268V, A386V, A406V.
Identifiers: ClinVar variation 2740606 (VCV002740606.3), dbSNP rs2525541265, ClinGen allele CA343281412.